The following is an entry in ClinVar:

NM_001034853.2(RPGR):c.779-5T>G

Gene: RPGR (retinitis pigmentosa GTPase regulator; minus strand). Cytogenetic location: Xp11.4.
Variant type: single nucleotide variant.
Coding change: c.779-5T>G on transcript NM_001034853.2 (MANE Select); 5 bases into the intron before coding-DNA position 779, T replaced by G.
Molecular consequence: intron variant.
Genome position (GRCh38, 1-based): chrX:38,304,795, A>C on the plus strand (T>G on the coding strand, the complement: RPGR is on the minus strand). VCF-style: chrX-38304795-A-C. GRCh37 (hg19) VCF-style: chrX-38164048-A-C.
Other names: c.776-5T>G (NM_001367249.1, NM_001367250.1, NM_001367245.1); c.779-5T>G (NM_001367251.1, NM_001367246.1, NM_001367247.1 and 1 more transcripts); c.809-5T>G (NM_001367248.1).
Identifiers: ClinVar variation 987407 (VCV000987407.5), dbSNP rs2067565504, ClinGen allele CA1139667471.

ClinVar aggregate classification (germline): Pathogenic. Review status: reviewed by expert panel (3 of 4 stars). 3 submissions from 3 submitters: Pathogenic (1). 2 of the submissions do not count toward it. Last evaluated 2025-09-07.

Conditions:
RPGR-related retinopathy. Also called: RPGR retinopathy. Identifiers: MedGen CN305589, MONDO:0100437.
Primary ciliary dyskinesia. Also called: Ciliary dyskinesia. Identifiers: Orphanet 244, MedGen C0008780, MONDO:0016575, HP:0012265.

Submissions (3):

ClinGen X-linked Inherited Retinal Disease Variant Curation Expert Panel, ClinGen
Classification: Pathogenic for RPGR-related retinopathy. Last evaluated: 2025-09-07. Review status: reviewed by expert panel. Criteria: ClinGen X LinkedIRD ACMG Specifications RPGR V1.0.0. Collection method: curation. Allele origin: germline. Inheritance: X-linked inheritance.
Comment: NM_001034853.2(RPGR):c.779-5T>G is a variant in intron 7. The splicing impact predictor SpliceAI gives a score of 0.81 for acceptor loss, which is above the ClinGen X-linked IRD VCEP recommended threshold of ≥0.2 and predicts a damaging impact on splicing, while cells transected with the variant minigene construct yielded a smaller product size in comparison to the wild-type control (PMID: 33467000, PVS1). The PP3 and PS3_Supporting codes were not met as PVS1 has been applied instead. This variant is absent from gnomAD v4.1.0 (PM2_Supporting). At least one proband harboring this variant exhibits a phenotype including a family history consistent with X-linked inheritance (2 pts) with relatively mildly affected carrier female relatives (1 pt), childhood onset (1 pt), night blindness (0.5 pts), photophobia (0.5 pts), reduced visual acuity (0.5 pts), bone spicule pigmentation (0.5 pts), mild myopia, and genotyping by whole exome sequencing that did not identify an alternative basis for retinal disease (2 pts), which together are highly specific for RPGR-related retinopathy (8 points, PP4_Moderate). This variant has been reported in at least 1 proband meeting one of the PS4 requirements of a male with some functional vision impairment by age 30 years and/or decreased or absent electroretinogram responses, or a female with functional visual abnormality and documentation of a male relative affected with retinitis pigmentosa, in addition to the second apparently unrelated proband previously used for the PP4 code (PMIDs: 32970112, PS4_Supporting). The variant has been reported to segregate with retinal dystrophy through at least 2 affected meioses from at least 1 family (PP1; PMID: 32970112). In summary, this variant is classified as pathogenic for RPGR-related retinopathy based on the ClinGen X-linked Inherited Retinal Disease Expert Panel Specifications to the ACMG/AMP Variant Interpretation Guidelines for RPGR Version 1.0.0; PVS1, PM2_supporting, PP1, PP4_Moderate, and PS4_Supporting.

Institute of Medical Genetics and Applied Genomics, University Hospital Tübingen
Classification: Pathogenic. Last evaluated: 2020-10-23. Review status: criteria provided, single submitter. Criteria: ACMG Guidelines, 2015. Collection method: clinical testing. Allele origin: germline. Inheritance: X-linked recessive inheritance. Affected: yes. Not counted in ClinVar's aggregate classification.

Ambry Genetics
Classification: Uncertain significance for Primary ciliary dyskinesia. Last evaluated: 2018-09-20. Review status: criteria provided, single submitter. Criteria: Ambry Variant Classification Scheme 2023. Collection method: clinical testing. Allele origin: germline. Not counted in ClinVar's aggregate classification.
Comment: The c.779-5T>G intronic variant results from a T to G substitution 5 nucleotides upstream from coding exon 8 in the RPGR gene. This alteration has been reported in association with X-linked retinitis pigmentosa (XLRP) (Neidhardt J et al. Mol. Vis., 2008 Jun;14:1081-93; Bellingrath JS et al. Invest. Ophthalmol. Vis. Sci., 2017 09;58:4457-4466). The nucleotide position is well conserved in available vertebrate species. Using the BDGP and ESEfinder splice site prediction tools, this alteration is predicted to weaken the efficiency of the native splice acceptor site; however, direct evidence is unavailable. Since supporting evidence is limited at this time, the clinical significance of this alteration remains unclear.

Literature cited by the submitters: PubMed 18552978 (cited by Ambry Genetics); PubMed 28863407 (cited by Ambry Genetics).